The following is an entry in ClinVar:

ClinVar aggregate classification (germline): Uncertain significance. Review status: criteria provided, multiple submitters, no conflicts (2 of 4 stars). 2 submissions from 2 submitters: Uncertain significance (2). Last evaluated 2025-05-07.

Allele frequency attached by ClinVar (database versions not stated): ExAC 0.00004; TOPMed 0.00008; gnomAD exomes below 0.00001 and 0.00002; gnomAD 0.00009.

Submissions (2):

Ambry Genetics
Classification: Uncertain significance. Last evaluated: 2025-05-07. Review status: criteria provided, single submitter. Criteria: Ambry Variant Classification Scheme 2023. Collection method: clinical testing. Allele origin: germline.

Labcorp Genetics (formerly Invitae), Labcorp
Classification: Uncertain significance. Last evaluated: 2022-10-18. Review status: criteria provided, single submitter. Criteria: Invitae Variant Classification Sherloc (09022015). Collection method: clinical testing. Allele origin: germline.
Comment: In summary, the available evidence is currently insufficient to determine the role of this variant in disease. Therefore, it has been classified as a Variant of Uncertain Significance. Algorithms developed to predict the effect of missense changes on protein structure and function (SIFT, PolyPhen-2, Align-GVGD) all suggest that this variant is likely to be tolerated. ClinVar contains an entry for this variant (Variation ID: 1522192). This variant has not been reported in the literature in individuals affected with CCDC88A-related conditions. This variant is present in population databases (rs771194869, gnomAD 0.03%). This sequence change replaces isoleucine, which is neutral and non-polar, with methionine, which is neutral and non-polar, at codon 1403 of the CCDC88A protein (p.Ile1403Met).

NM_001365480.1(CCDC88A):c.4212A>G (p.Ile1404Met)

Gene: CCDC88A (coiled-coil domain containing 88A; minus strand). Cytogenetic location: 2p16.1.
Variant type: single nucleotide variant.
Coding change: c.4212A>G on transcript NM_001365480.1 (MANE Select); coding-DNA position 4212, A replaced by G.
Protein change: p.Ile1404Met; replaces isoleucine 1404 with methionine.
Molecular consequence: missense variant.
Genome position (GRCh38, 1-based): chr2:55,308,984, T>C on the plus strand (A>G on the coding strand, the complement: CCDC88A is on the minus strand). VCF-style: chr2-55308984-T-C. GRCh37 (hg19) VCF-style: chr2-55536120-T-C.
Other names: c.4209A>G, p.Ile1403Met (NM_001135597.2, NM_001254943.2); c.4212A>G, p.Ile1404Met (NM_018084.5); c.4209A>G (NM_001135597.1); short protein forms I1404M, I1403M.
Identifiers: ClinVar variation 1522192 (VCV001522192.7), dbSNP rs771194869, ClinGen allele CA1665612.